The following is an entry in ClinVar:

NM_016169.4(SUFU):c.1339T>G (p.Leu447Val)

Gene: SUFU (SUFU negative regulator of hedgehog signaling; plus strand). Cytogenetic location: 10q24.32.
Variant type: single nucleotide variant.
Coding change: c.1339T>G on transcript NM_016169.4 (MANE Select); coding-DNA position 1339, T replaced by G.
Protein change: p.Leu447Val; replaces leucine 447 with valine.
Molecular consequence: missense variant.
Genome position (GRCh38, 1-based): chr10:102,627,217, T>G. VCF-style: chr10-102627217-T-G. GRCh37 (hg19) VCF-style: chr10-104386974-T-G.
Other names: short protein forms L447V.
Identifiers: ClinVar variation 1503168 (VCV001503168.8), dbSNP rs2135954327, ClinGen allele CA377918815.

ClinVar aggregate classification (germline): Uncertain significance (1 of 4 stars; one submission).

Conditions:
Medulloblastoma (MDB). Also called: Medulloblastoma, somatic; MEDULLOBLASTOMA PREDISPOSITION SYNDROME. Identifiers: Orphanet 616, MedGen C0025149, MeSH D008527, MONDO:0007959, OMIM 155255, HP:0002885.
Gorlin syndrome. Also called: Nevoid Basal Cell Carcinoma Syndrome; Basal cell nevus syndrome. Identifiers: Orphanet 377, MedGen C0004779, MONDO:0007187.

Submission:

Labcorp Genetics (formerly Invitae), Labcorp
Classification: Uncertain significance for Gorlin syndrome; Medulloblastoma. Last evaluated: 2021-07-09. Review status: criteria provided, single submitter. Criteria: Invitae Variant Classification Sherloc (09022015). Collection method: clinical testing. Allele origin: germline.
Comment: This sequence change replaces leucine with valine at codon 447 of the SUFU protein (p.Leu447Val). The leucine residue is moderately conserved and there is a small physicochemical difference between leucine and valine. In summary, the available evidence is currently insufficient to determine the role of this variant in disease. Therefore, it has been classified as a Variant of Uncertain Significance. Algorithms developed to predict the effect of missense changes on protein structure and function (SIFT, PolyPhen-2, Align-GVGD) all suggest that this variant is likely to be tolerated, but these predictions have not been confirmed by published functional studies and their clinical significance is uncertain. This variant has not been reported in the literature in individuals with SUFU-related conditions. This variant is not present in population databases (ExAC no frequency).